The following is an entry in ClinVar:

NM_001008212.2(OPTN):c.1149-2A>G

Gene: OPTN (optineurin; plus strand). Cytogenetic location: 10p13.
Variant type: single nucleotide variant.
Coding change: c.1149-2A>G on transcript NM_001008212.2 (MANE Select); the canonical splice acceptor site of the intron before coding-DNA position 1149, A replaced by G.
Molecular consequence: splice acceptor variant.
Genome position (GRCh38, 1-based): chr10:13,125,944, A>G. VCF-style: chr10-13125944-A-G. GRCh37 (hg19) VCF-style: chr10-13167944-A-G.
Other names: c.1149-2A>G (NM_001008211.1, NM_001008213.1, NM_021980.4).
Identifiers: ClinVar variation 805103 (VCV000805103.8), dbSNP rs867368757, ClinGen allele CA203267951.

ClinVar aggregate classification (germline): Likely pathogenic. Review status: criteria provided, multiple submitters, no conflicts (2 of 4 stars). 3 submissions from 3 submitters: Likely pathogenic (3). Last evaluated 2026-06-18.

Conditions:
Glaucoma 1, open angle, E. Identifiers: MedGen C1842026, MONDO:0007665.
Amyotrophic lateral sclerosis type 12 (ALS12). Also called: AMYOTROPHIC LATERAL SCLEROSIS 12 WITH OR WITHOUT FRONTOTEMPORAL DEMENTIA. Identifiers: Orphanet 803, MedGen C3150692, MONDO:0013264, OMIM 613435.
Primary open angle glaucoma (POAG). Also called: OPTN-related open angle glaucoma. Identifiers: MedGen C0339573, MONDO:0100553, OMIM 137760.

Allele frequency attached by ClinVar (database versions not stated): gnomAD exomes below 0.00001; TOPMed 0.00002; gnomAD 0.00001.
gnomAD v4.1: 9 of 1,595,850 alleles (0.00056%); highest among the groups gnomAD compares: South Asian, 0.0011%; no homozygotes.

Submissions (3):

GeneDx
Classification: Likely pathogenic. Last evaluated: 2026-06-18. Review status: criteria provided, single submitter. Criteria: GeneDx Variant Classification Process June 2021. Collection method: clinical testing. Allele origin: germline.
Comment: Canonical splice site variant predicted to result in a null allele in a gene for which loss of function is a known mechanism of disease; Not observed at significant frequency in large population cohorts (gnomAD); Has not been previously published as pathogenic or benign to our knowledge

Labcorp Genetics (formerly Invitae), Labcorp
Classification: Likely pathogenic for Primary open angle glaucoma; Glaucoma 1, open angle, E; Amyotrophic lateral sclerosis type 12. Last evaluated: 2024-10-24. Review status: criteria provided, single submitter. Criteria: Invitae Variant Classification Sherloc (09022015). Collection method: clinical testing. Allele origin: germline.
Comment: This sequence change affects an acceptor splice site in intron 9 of the OPTN gene. It is expected to disrupt RNA splicing. Variants that disrupt the donor or acceptor splice site typically lead to a loss of protein function (PMID: 16199547), and loss-of-function variants in OPTN are known to be pathogenic (PMID: 20428114). This variant is not present in population databases (gnomAD no frequency). This variant has not been reported in the literature in individuals affected with OPTN-related conditions. ClinVar contains an entry for this variant (Variation ID: 805103). Algorithms developed to predict the effect of sequence changes on RNA splicing suggest that this variant may disrupt the consensus splice site. In summary, the currently available evidence indicates that the variant is pathogenic, but additional data are needed to prove that conclusively. Therefore, this variant has been classified as Likely Pathogenic.

Athena Diagnostics
Classification: Likely pathogenic. Last evaluated: 2018-12-27. Review status: criteria provided, single submitter. Criteria: Athena Diagnostics Criteria. Collection method: clinical testing. Allele origin: germline.
Comment: The variant disrupts a canonical splice site, and is therefore predicted to result in the loss of a functional protein. Not found in the total gnomAD dataset, and the data is high quality (0/281614 chr).

Literature cited by the submitters: PubMed 16199547 (cited by Labcorp Genetics (formerly Invitae), Labcorp); PubMed 20428114 (cited by Labcorp Genetics (formerly Invitae), Labcorp).